The following is an entry in ClinVar:

NM_000059.4(BRCA2):c.4404T>C (p.Ser1468=)

Gene: BRCA2 (BRCA2 DNA repair associated; plus strand). Cytogenetic location: 13q13.1.
Variant type: single nucleotide variant.
Coding change: c.4404T>C on transcript NM_000059.4 (MANE Select); coding-DNA position 4404, T replaced by C.
Protein change: p.Ser1468=; no amino-acid change (serine 1468 retained).
Molecular consequence: synonymous variant.
Genome position (GRCh38, 1-based): chr13:32,338,759, T>C. VCF-style: chr13-32338759-T-C. GRCh37 (hg19) VCF-style: chr13-32912896-T-C.
Identifiers: ClinVar variation 378908 (VCV000378908.13), dbSNP rs1057520404, ClinGen allele CA16606786.

ClinVar aggregate classification (germline): Likely benign. Review status: criteria provided, multiple submitters, no conflicts (2 of 4 stars). 4 submissions from 4 submitters: Likely benign (4). Last evaluated 2025-03-23.

Conditions:
Hereditary cancer-predisposing syndrome. Also called: Hereditary neoplastic syndrome; Tumor predisposition; Neoplastic Syndromes, Hereditary; Hereditary Cancer Syndrome. Identifiers: Orphanet 140162, MedGen C0027672, MeSH D009386, MONDO:0015356.
Hereditary breast ovarian cancer syndrome. Also called: Breast and ovarian cancer; Hereditary breast and ovarian cancer syndrome; Hereditary breast and ovarian cancer; Hereditary breast and/or ovarian cancer syndrome; Hereditary breast and ovarian cancer syndrome (HBOC); BRCA1- and BRCA2-Associated Hereditary Breast and Ovarian Cancer. Identifiers: Orphanet 145, MedGen C0677776, MeSH D061325, MONDO:0003582. Disease mechanism: loss of function.
Breast-ovarian cancer, familial, susceptibility to, 2 (BROVCA2). Also called: BRCA2 Hereditary Breast and Ovarian Cancer. Identifiers: Orphanet 145, MedGen C2675520, MONDO:0012933, OMIM 612555. Disease mechanism: loss of function.

Submissions (4):

Labcorp Genetics (formerly Invitae), Labcorp
Classification: Likely benign for Hereditary breast ovarian cancer syndrome. Last evaluated: 2025-03-23. Review status: criteria provided, single submitter. Criteria: Invitae Variant Classification Sherloc (09022015). Collection method: clinical testing. Allele origin: germline.

All of Us Research Program, National Institutes of Health
Classification: Likely benign for Breast-ovarian cancer, familial, susceptibility to, 2. Last evaluated: 2023-08-23. Review status: criteria provided, single submitter. Criteria: ACMG Guidelines, 2015. Collection method: clinical testing. Allele origin: germline. Inheritance: Autosomal dominant inheritance. Observed: 1 variant allele, 1 heterozygote.
Comment: This study involves interpretation of variants in research participants for the purpose of population health screening. Participant phenotype was not available at the time of variant classification. Additional details can be found in publication PMID: 35346344, PMCID: PMC8962531

Ambry Genetics
Classification: Likely benign for Hereditary cancer-predisposing syndrome. Last evaluated: 2021-08-08. Review status: criteria provided, single submitter. Criteria: Ambry Variant Classification Scheme 2023. Collection method: clinical testing. Allele origin: germline.

GeneDx
Classification: Likely benign. Last evaluated: 2016-10-06. Review status: criteria provided, single submitter. Criteria: GeneDx Variant Classification (06012015). Collection method: clinical testing. Allele origin: germline. Affected: yes.
Comment: This variant is considered likely benign or benign based on one or more of the following criteria: it is a conservative change, it occurs at a poorly conserved position in the protein, it is predicted to be benign by multiple in silico algorithms, and/or has population frequency not consistent with disease.